The following is an entry in ClinVar:

ClinVar aggregate classification (germline): Uncertain significance (1 of 4 stars; one submission).

Submission:

Labcorp Genetics (formerly Invitae), Labcorp
Classification: Uncertain significance. Last evaluated: 2022-10-07. Review status: criteria provided, single submitter. Criteria: Invitae Variant Classification Sherloc (09022015). Collection method: clinical testing. Allele origin: germline.
Comment: This variant has not been reported in the literature in individuals affected with PCLO-related conditions. Algorithms developed to predict the effect of missense changes on protein structure and function are either unavailable or do not agree on the potential impact of this missense change (SIFT: "Tolerated"; PolyPhen-2: "Not Available"; Align-GVGD: "Class C0"). In summary, the available evidence is currently insufficient to determine the role of this variant in disease. Therefore, it has been classified as a Variant of Uncertain Significance. This variant is not present in population databases (gnomAD no frequency). This sequence change replaces threonine, which is neutral and polar, with serine, which is neutral and polar, at codon 2218 of the PCLO protein (p.Thr2218Ser).

NM_033026.6(PCLO):c.6653C>G (p.Thr2218Ser)

Gene: PCLO (piccolo presynaptic cytomatrix protein; minus strand). Cytogenetic location: 7q21.11.
Variant type: single nucleotide variant.
Coding change: c.6653C>G on transcript NM_033026.6 (MANE Select); coding-DNA position 6653, C replaced by G.
Protein change: p.Thr2218Ser; replaces threonine 2218 with serine.
Molecular consequence: missense variant.
Genome position (GRCh38, 1-based): chr7:82,954,300, G>C on the plus strand (C>G on the coding strand, the complement: PCLO is on the minus strand). VCF-style: chr7-82954300-G-C. GRCh37 (hg19) VCF-style: chr7-82583616-G-C.
Other names: c.6653C>G, p.Thr2218Ser (NM_014510.3); short protein forms T2218S.
Identifiers: ClinVar variation 1721128 (VCV001721128.5), dbSNP rs2535701320, ClinGen allele CA367918718.
Genomic context (GRCh38, chr7:82,954,300, plus strand): 5'-TCTATAATGCTGCCTGGAAAATAAGTTGATGAAGAAATTTCCTCAGAATCTTCAAATTTA[G>C]TTATCATGTCCACTGGCTCTGTATAAACTGTGGTTATGCTATCCAGGGTAGTAATGGGTG-3'
Protein context (NP_149015.2, residues 2208-2228): TVYTEPVDMI[Thr2218Ser]KFEDSEEISS